The following is an entry in ClinVar:

NM_001080414.4(CCDC88C):c.590G>A (p.Arg197Gln)

Gene: CCDC88C (coiled-coil and HOOK domain protein 88C; minus strand). Cytogenetic location: 14q32.11.
Variant type: single nucleotide variant.
Coding change: c.590G>A on transcript NM_001080414.4 (MANE Select); coding-DNA position 590, G replaced by A.
Protein change: p.Arg197Gln; replaces arginine 197 with glutamine.
Molecular consequence: missense variant.
Genome position (GRCh38, 1-based): chr14:91,339,918, C>T on the plus strand (G>A on the coding strand, the complement: CCDC88C is on the minus strand). VCF-style: chr14-91339918-C-T. GRCh37 (hg19) VCF-style: chr14-91806262-C-T.
Other names: short protein forms R197Q.
Identifiers: ClinVar variation 376980 (VCV000376980.16), dbSNP rs200769097, ClinGen allele CA7310199.
Genomic context (GRCh38, chr14:91,339,918, plus strand): 5'-ACCGGGCCACCGACCCGCGGACGCACCTCGGTGCACTCGTCCCGCTGGTCGATGAGCCTC[C>T]GCAGGTGGAGCACCATGCTCCTCGACAGGGCCTCCAGCTCCTCCGGAGCCACGTCGGGCA-3'
Protein context (NP_001073883.2, residues 187-207): ALSRSMVLHL[Arg197Gln]RLIDQRDECT

ClinVar aggregate classification (germline): Conflicting classifications of pathogenicity. Review status: criteria provided, conflicting classifications (1 of 4 stars). 4 submissions from 4 submitters: Uncertain significance (3); Likely benign (1). Last evaluated 2026-01-28.

Conditions:
Spinocerebellar ataxia type 40. Identifiers: Orphanet 423275, MedGen C4518336, MONDO:0014475, OMIM 616053.
Hydrocephalus, nonsyndromic, autosomal recessive 1 (HYC1). Also called: Hydrocephalus, nonsyndromic, autosomal recessive; Congenital hydrocephalus 1. Identifiers: Orphanet 2185, MedGen C3887608, MONDO:0009360, OMIM 236600.

Allele frequency attached by ClinVar (database versions not stated): ESP Exome Variant Server 0.00040; gnomAD exomes 0.00045 and 0.00062; gnomAD 0.00053 and 0.00058; TOPMed 0.00062; 1000 Genomes Project 30x 0.00078; 1000 Genomes Project 0.00080; ExAC 0.00089.
gnomAD v4.1: 989 of 1,593,482 alleles (0.062%); highest among the groups gnomAD compares: East Asian, 0.27%; 2 homozygotes.

Submissions (4):

Labcorp Genetics (formerly Invitae), Labcorp
Classification: Likely benign. Last evaluated: 2026-01-28. Review status: criteria provided, single submitter. Criteria: Invitae Variant Classification Sherloc (09022015). Collection method: clinical testing. Allele origin: germline.

GeneDx
Classification: Uncertain significance. Last evaluated: 2019-10-08. Review status: criteria provided, single submitter. Criteria: GeneDx Variant Classification Process June 2021. Collection method: clinical testing. Allele origin: germline. Affected: yes.
Comment: In silico analysis, which includes protein predictors and evolutionary conservation, supports that this variant does not alter protein structure/function; Has not been previously published as pathogenic or benign to our knowledge

Fulgent Genetics
Classification: Uncertain significance for Hydrocephalus, nonsyndromic, autosomal recessive 1; Spinocerebellar ataxia type 40. Last evaluated: 2018-10-31. Review status: criteria provided, single submitter. Criteria: ACMG Guidelines, 2015. Collection method: clinical testing. Allele origin: unknown.

Center for Pediatric Genomic Medicine, Children's Mercy Hospital and Clinics
Classification: Uncertain significance. Last evaluated: 2016-09-13. Review status: criteria provided, single submitter. Criteria: ACMG Guidelines, 2015. Collection method: clinical testing. Allele origin: germline.
ClinVar note: Converted during submission from Uncertain Significance to Uncertain significance.